The following is an entry in ClinVar:

NM_000155.4(GALT):c.919T>A (p.Ser307Thr)

Gene: GALT (galactose-1-phosphate uridylyltransferase; plus strand). Cytogenetic location: 9p13.3.
Variant type: single nucleotide variant.
Coding change: c.919T>A on transcript NM_000155.4 (MANE Select); coding-DNA position 919, T replaced by A.
Protein change: p.Ser307Thr; replaces serine 307 with threonine.
Molecular consequence: missense variant.
Genome position (GRCh38, 1-based): chr9:34,649,424, T>A. VCF-style: chr9-34649424-T-A. GRCh37 (hg19) VCF-style: chr9-34649421-T-A.
Other names: p.Ser307Thr; c.919T>A (NM_000155.2); c.592T>A, p.Ser198Thr (NM_001258332.2); short protein forms S307T, S198T.
Identifiers: ClinVar variation 733071 (VCV000733071.22), dbSNP rs61735983, ClinGen allele CA5036260.

ClinVar aggregate classification (germline): Conflicting classifications of pathogenicity. Review status: criteria provided, conflicting classifications (1 of 4 stars). 8 submissions from 8 submitters: Uncertain significance (4); Likely benign (3). 1 of the submissions does not count toward it. Last evaluated 2026-01-26.

Conditions:
Deficiency of UDPglucose-hexose-1-phosphate uridylyltransferase. Also called: GALACTOSE-1-PHOSPHATE URIDYLYLTRANSFERASE DEFICIENCY; GALT deficiency; Galactosemia, classic; Transferase Deficiency Galactosemia; GALACTOSEMIA I. Identifiers: Orphanet 352, Orphanet 79239, MedGen C0268151, MONDO:0009258, OMIM 230400.
GALT-related disorder. Also called: GALT-related condition.
Inborn genetic diseases. Identifiers: MedGen C0950123, MeSH D030342.
Galactosemia. Also called: Galactose intolerance. Identifiers: Orphanet 352, MedGen C0016952, MONDO:0018116, HP:0004919. Disease mechanism: loss of function.

Allele frequency attached by ClinVar (database versions not stated): gnomAD exomes 0.00009 and 0.00032; ExAC 0.00035; gnomAD 0.00093 and 0.00101; 1000 Genomes Project 0.00120; TOPMed 0.00121; ESP Exome Variant Server 0.00154; 1000 Genomes Project 30x 0.00172.

Submissions (8):

Labcorp Genetics (formerly Invitae), Labcorp
Classification: Likely benign for Deficiency of UDPglucose-hexose-1-phosphate uridylyltransferase. Last evaluated: 2026-01-26. Review status: criteria provided, single submitter. Criteria: Invitae Variant Classification Sherloc (09022015). Collection method: clinical testing. Allele origin: germline.

PreventionGenetics, part of Exact Sciences
Classification: Likely benign for GALT-related condition. Last evaluated: 2026-01-06. Review status: criteria provided, single submitter. Criteria: ACMG Guidelines, 2015. Collection method: clinical testing. Allele origin: germline.
Comment: This variant is classified as likely benign based on ACMG/AMP sequence variant interpretation guidelines (Richards et al. 2015 PMID: 25741868, with internal and published modifications).

Women's Health and Genetics/Laboratory Corporation of America, LabCorp
Classification: Uncertain significance. Last evaluated: 2025-12-11. Review status: criteria provided, single submitter. Criteria: LabCorp Variant Classification Summary - May 2015. Collection method: clinical testing. Allele origin: germline.

Ambry Genetics
Classification: Likely benign for Inborn genetic diseases. Last evaluated: 2025-04-02. Review status: criteria provided, single submitter. Criteria: Ambry Variant Classification Scheme 2023. Collection method: clinical testing. Allele origin: germline.

ARUP Laboratories, Molecular Genetics and Genomics, ARUP Laboratories
Classification: Uncertain significance for Deficiency of UDPglucose-hexose-1-phosphate uridylyltransferase. Last evaluated: 2024-05-15. Review status: criteria provided, single submitter. Criteria: ARUP Molecular Germline Variant Investigation Process 2024. Collection method: clinical testing. Allele origin: germline.
Comment: The GALT c.919T>A; p.Ser307Thr variant (rs61735983), to our knowledge, is not reported in the medical literature but is reported in ClinVar (Variation ID: 733071). This variant is found in the African population with an allele frequency of 0.40% (100/24,954 alleles) in the Genome Aggregation Database (v2.1.1). Computational analyses are uncertain whether this variant is neutral or deleterious (REVEL: 0.592). Due to limited information, the clinical significance of this variant is uncertain at this time.

Mayo Clinic Laboratories, Mayo Clinic
Classification: Uncertain significance. Last evaluated: 2022-10-11. Review status: criteria provided, single submitter. Criteria: ACMG Guidelines, 2015. Collection method: clinical testing. Allele origin: germline. Observed: 2 variant alleles.
Comment: BS1

Illumina Laboratory Services, Illumina
Classification: Uncertain significance for Deficiency of UDPglucose-hexose-1-phosphate uridylyltransferase. Last evaluated: 2018-01-12. Review status: criteria provided, single submitter. Criteria: ICSL Variant Classification Criteria 13 December 2019. Collection method: clinical testing. Allele origin: germline.

Natera, Inc.
Classification: Uncertain significance for Galactosemia. Last evaluated: 2017-05-09. Review status: no assertion criteria provided. Collection method: clinical testing. Allele origin: germline. Not counted in ClinVar's aggregate classification.